The following is an entry in ClinVar:

NM_032383.5(HPS3):c.2498A>T (p.His833Leu)

Genes: CP (ceruloplasmin; minus strand), HPS3 (HPS3 biogenesis of lysosomal organelles complex 2 subunit 1; plus strand). Cytogenetic location: 3q24.
Variant type: single nucleotide variant.
Coding change: c.2498A>T on transcript NM_032383.5 (MANE Select); coding-DNA position 2498, A replaced by T.
Protein change: p.His833Leu; replaces histidine 833 with leucine.
Molecular consequence: missense variant.
Genome position (GRCh38, 1-based): chr3:149,163,858, A>T. VCF-style: chr3-149163858-A-T. GRCh37 (hg19) VCF-style: chr3-148881645-A-T.
Other names: c.2003A>T, p.His668Leu (NM_001308258.2); short protein forms H668L, H833L.
Identifiers: ClinVar variation 3007199 (VCV003007199.3), dbSNP rs2473128445, ClinGen allele CA354924706.

ClinVar aggregate classification (germline): Uncertain significance (1 of 4 stars; one submission).

gnomAD v4.1: 3 of 1,559,094 alleles (0.00019%); highest among the groups gnomAD compares: Non-Finnish European, 0.00027%; no homozygotes.

Submission:

Labcorp Genetics (formerly Invitae), Labcorp
Classification: Uncertain significance. Last evaluated: 2024-10-24. Review status: criteria provided, single submitter. Criteria: Invitae Variant Classification Sherloc (09022015). Collection method: clinical testing. Allele origin: germline.
Comment: This sequence change replaces histidine, which is basic and polar, with leucine, which is neutral and non-polar, at codon 833 of the HPS3 protein (p.His833Leu). This variant is not present in population databases (gnomAD no frequency). This variant has not been reported in the literature in individuals affected with HPS3-related conditions. Invitae Evidence Modeling of protein sequence and biophysical properties (such as structural, functional, and spatial information, amino acid conservation, physicochemical variation, residue mobility, and thermodynamic stability) indicates that this missense variant is expected to disrupt HPS3 protein function with a positive predictive value of 80%. In summary, the available evidence is currently insufficient to determine the role of this variant in disease. Therefore, it has been classified as a Variant of Uncertain Significance.